The following is an entry in ClinVar:

ClinVar aggregate classification (germline): Likely pathogenic (1 of 4 stars; one submission).

Conditions:
Joubert syndrome. Also called: Familial aplasia of the vermis; JOUBERT-BOLTSHAUSER SYNDROME; CEREBELLOPARENCHYMAL DISORDER IV. Identifiers: Orphanet 475, MedGen C5979921, MONDO:0018772.

Submission:

Natera, Inc.
Classification: Likely pathogenic for Joubert syndrome. Last evaluated: 2024-05-02. Review status: criteria provided, single submitter. Criteria: Natera Variant Classification Schema (03/2026). Collection method: clinical testing. Allele origin: germline.
Comment: The c.1509delA variant in RPGRIP1L is a frameshift variant predicted to shift the reading frame beginning at codon 504 and leads to a stop codon 13 codons downstream. This variant is expected to result in nonsense mediated decay, truncation, or a dysfunctional protein product. This variant is rare in the general population with a frequency below the threshold expected for the associated phenotype(s). Given the available evidence, this variant is classified as Likely Pathogenic.

NM_015272.5(RPGRIP1L):c.1509del (p.Glu504fs)

Gene: RPGRIP1L (RPGRIP1 like; minus strand). Cytogenetic location: 16q12.2.
Variant type: Deletion.
Coding change: c.1509del on transcript NM_015272.5 (MANE Select); coding-DNA position 1509, one base deleted (A; older notation c.1509delA).
Protein change: p.Glu504fs; shifts the reading frame from glutamic acid 504.
Molecular consequence: frameshift variant.
Genome position (GRCh38, 1-based): chr16:53,657,525, T deleted on the plus strand (A on the coding strand, the reverse complement: RPGRIP1L is on the minus strand). VCF-style (leftmost placement, unchanged base first): chr16-53657524-CT-C. GRCh37 (hg19) VCF-style: chr16-53691436-CT-C.
Other names: c.1509del, p.Glu504fs (NM_001127897.4, NM_001308334.3, NM_001330538.2); short protein forms E504fs.
Identifiers: ClinVar variation 4815830 (VCV004815830.1).